The following is an entry in ClinVar:

NM_133433.4(NIPBL):c.*334G>A

Gene: NIPBL (NIPBL cohesin loading factor; plus strand). Cytogenetic location: 5p13.2.
Variant type: single nucleotide variant.
Coding change: c.*334G>A on transcript NM_133433.4 (MANE Select); 334 bases downstream of the stop codon, G replaced by A.
Molecular consequence: 3 prime UTR variant.
Genome position (GRCh38, 1-based): chr5:37,065,226, G>A. VCF-style: chr5-37065226-G-A. GRCh37 (hg19) VCF-style: chr5-37065328-G-A.
Other names: c.*1203G>A (NM_015384.5).
Identifiers: ClinVar variation 353394 (VCV000353394.29), dbSNP rs181989563, ClinGen allele CA10624447.

ClinVar aggregate classification (germline): Conflicting classifications of pathogenicity. Review status: criteria provided, conflicting classifications (1 of 4 stars). 2 submissions from 2 submitters: Uncertain significance (1); Benign (1). Last evaluated 2022-09-01.

Conditions:
Cornelia de Lange syndrome 1 (CDLS1). Also called: TYPUS DEGENERATIVUS AMSTELODAMENSIS; Brachmann de Lange syndrome; NIPBL-Related Cornelia de Lange Syndrome. Identifiers: Orphanet 199, MedGen C4551851, MONDO:0007387, OMIM 122470.

Allele frequency attached by ClinVar (database versions not stated): gnomAD 0.00037 and 0.00040; 1000 Genomes Project 0.00040; TOPMed 0.00045; 1000 Genomes Project 30x 0.00047.
gnomAD v4.1: 90 of 297,936 alleles (0.03%); highest among the groups gnomAD compares: Admixed American, 0.24%; no homozygotes.

Submissions (2):

CeGaT Center for Human Genetics Tuebingen
Classification: Benign. Last evaluated: 2022-09-01. Review status: criteria provided, single submitter. Criteria: CeGaT Center For Human Genetics Tuebingen Variant Classification Criteria Version 2. Collection method: clinical testing. Allele origin: germline. Affected: yes. Observed: 1 variant allele.
Comment: NIPBL: BS1, BS2

Illumina Laboratory Services, Illumina
Classification: Uncertain significance for Cornelia de Lange syndrome 1. Last evaluated: 2018-01-13. Review status: criteria provided, single submitter. Criteria: ICSL Variant Classification Criteria 13 December 2019. Collection method: clinical testing. Allele origin: germline.